The following is an entry in ClinVar:

ClinVar aggregate classification (germline): Uncertain significance (1 of 4 stars; one submission).

Conditions:
Familial adenomatous polyposis 1 (FAP1). Also called: POLYPOSIS, ADENOMATOUS INTESTINAL; FAMILIAL ADENOMATOUS POLYPOSIS 1, ATTENUATED. Identifiers: MedGen C2713442, MONDO:0021056, OMIM 175100. Disease mechanism: loss of function.

Submission:

Labcorp Genetics (formerly Invitae), Labcorp
Classification: Uncertain significance for Familial adenomatous polyposis 1. Last evaluated: 2019-05-08. Review status: criteria provided, single submitter. Criteria: Invitae Variant Classification Sherloc (09022015). Collection method: clinical testing. Allele origin: germline.
Comment: This sequence change replaces methionine with leucine at codon 979 of the APC protein (p.Met979Leu). The methionine residue is highly conserved and there is a small physicochemical difference between methionine and leucine. This variant is not present in population databases (ExAC no frequency). This variant has not been reported in the literature in individuals with APC-related conditions. Algorithms developed to predict the effect of missense changes on protein structure and function (SIFT, PolyPhen-2, Align-GVGD) all suggest that this variant is likely to be tolerated, but these predictions have not been confirmed by published functional studies and their clinical significance is uncertain. In summary, the available evidence is currently insufficient to determine the role of this variant in disease. Therefore, it has been classified as a Variant of Uncertain Significance.

NM_000038.6(APC):c.2935A>T (p.Met979Leu)

Gene: APC (APC regulator of Wnt signaling pathway; plus strand). Cytogenetic location: 5q22.2.
Variant type: single nucleotide variant.
Coding change: c.2935A>T on transcript NM_000038.6 (MANE Select); coding-DNA position 2935, A replaced by T.
Protein change: p.Met979Leu; replaces methionine 979 with leucine.
Molecular consequence: missense variant.
Genome position (GRCh38, 1-based): chr5:112,838,529, A>T. VCF-style: chr5-112838529-A-T. GRCh37 (hg19) VCF-style: chr5-112174226-A-T.
Other names: c.2935A>T, p.Met979Leu (NM_001127510.3, NM_001354895.2); c.2881A>T, p.Met961Leu (NM_001127511.3); c.2989A>T, p.Met997Leu (NM_001354896.2); c.2965A>T, p.Met989Leu (NM_001354897.2); c.2860A>T, p.Met954Leu (NM_001354898.2); c.2851A>T, p.Met951Leu (NM_001354899.2); c.2812A>T, p.Met938Leu (NM_001354900.2); c.2758A>T, p.Met920Leu (NM_001354901.2); and 5 more; short protein forms M853L, M951L, M989L, M696L, M878L, M888L, M979L, M920L.
Identifiers: ClinVar variation 950792 (VCV000950792.11), dbSNP rs1580629000, ClinGen allele CA16027743.
Genomic context (GRCh38, chr5:112,838,529, plus strand): 5'-TCTTCAAATGATAGTTTAAATAGTGTCAGTAGTAGTGATGGTTATGGTAAAAGAGGTCAA[A>T]TGAAACCCTCGATTGAATCCTATTCTGAAGATGATGAAAGTAAGTTTTGCAGTTATGGTC-3'
Protein context (NP_000029.2, residues 969-989): SSDGYGKRGQ[Met979Leu]KPSIESYSED